The following is an entry in ClinVar:

NM_000492.4(CFTR):c.441C>G (p.His147Gln)

Gene: CFTR (CF transmembrane conductance regulator; plus strand). Cytogenetic location: 7q31.2.
Variant type: single nucleotide variant.
Coding change: c.441C>G on transcript NM_000492.4 (MANE Select); coding-DNA position 441, C replaced by G.
Protein change: p.His147Gln; replaces histidine 147 with glutamine.
Molecular consequence: missense variant.
Genome position (GRCh38, 1-based): chr7:117,531,066, C>G. VCF-style: chr7-117531066-C-G. GRCh37 (hg19) VCF-style: chr7-117171120-C-G.
Other names: short protein forms H147Q.
Identifiers: ClinVar variation 966458 (VCV000966458.47), dbSNP rs759310470, ClinGen allele CA4450721.

ClinVar aggregate classification (germline): Uncertain significance. Review status: criteria provided, multiple submitters, no conflicts (2 of 4 stars). 6 submissions from 6 submitters: Uncertain significance (5). 1 of the submissions does not count toward it. Last evaluated 2025-02-14.

Conditions:
Cystic fibrosis (CF). Also called: MUCOVISCIDOSIS. Identifiers: Orphanet 586, MedGen C0010674, MONDO:0009061, OMIM 219700. Disease mechanism: loss of function.
CFTR-related disorder (CFTR-RD). Also called: CFTR-related disorders; CFTR-related condition. Identifiers: MedGen C5924204, MONDO:7770004.

Allele frequency attached by ClinVar (database versions not stated): ExAC 0.00001; gnomAD 0.00001; gnomAD exomes 0.00001; TOPMed 0.00001.
gnomAD v4.1: 9 of 1,613,612 alleles (0.00056%); highest among the groups gnomAD compares: Non-Finnish European, 0.00076%; no homozygotes.

Submissions (6):

PreventionGenetics, part of Exact Sciences
Classification: Uncertain significance for CFTR-related condition. Last evaluated: 2025-02-14. Review status: criteria provided, single submitter. Criteria: ACMG Guidelines, 2015. Collection method: clinical testing. Allele origin: germline.
Comment: The CFTR c.441C>G variant is predicted to result in the amino acid substitution p.His147Gln. To our knowledge, this variant has not been reported in the literature. This variant is reported in 0.0018% of alleles in individuals of European (Non-Finnish) descent in gnomAD. At this time, the clinical significance of this variant is uncertain due to the absence of conclusive functional and genetic evidence.

Labcorp Genetics (formerly Invitae), Labcorp
Classification: Uncertain significance for Cystic fibrosis. Last evaluated: 2021-10-18. Review status: criteria provided, single submitter. Criteria: Invitae Variant Classification Sherloc (09022015). Collection method: clinical testing. Allele origin: germline.
Comment: This sequence change replaces histidine with glutamine at codon 147 of the CFTR protein (p.His147Gln). The histidine residue is moderately conserved and there is a small physicochemical difference between histidine and glutamine. This variant is present in population databases (rs759310470, ExAC 0.002%). This variant has not been reported in the literature in individuals affected with CFTR-related conditions. Algorithms developed to predict the effect of missense changes on protein structure and function (SIFT, PolyPhen-2, Align-GVGD) all suggest that this variant is likely to be tolerated. Algorithms developed to predict the effect of sequence changes on RNA splicing suggest that this variant may create or strengthen a splice site. In summary, the available evidence is currently insufficient to determine the role of this variant in disease. Therefore, it has been classified as a Variant of Uncertain Significance.

Genome-Nilou Lab
Classification: Uncertain significance for Cystic fibrosis. Last evaluated: 2021-09-05. Review status: criteria provided, single submitter. Criteria: ACMG Guidelines, 2015. Collection method: clinical testing. Allele origin: germline. Affected: no.

Ambry Genetics
Classification: Uncertain significance for Cystic fibrosis. Last evaluated: 2021-04-30. Review status: criteria provided, single submitter. Criteria: Ambry Variant Classification Scheme 2023. Collection method: clinical testing. Allele origin: germline.
Comment: The p.H147Q variant (also known as c.441C>G), located in coding exon 4 of the CFTR gene, results from a C to G substitution at nucleotide position 441. The histidine at codon 147 is replaced by glutamine, an amino acid with highly similar properties. This amino acid position is well conserved in available vertebrate species. In addition, the in silico prediction for this alteration is inconclusive. Since supporting evidence is limited at this time, the clinical significance of this alteration remains unclear.

CeGaT Center for Human Genetics Tuebingen
Classification: Uncertain significance. Last evaluated: 2020-08-01. Review status: criteria provided, single submitter. Criteria: CeGaT Center For Human Genetics Tuebingen Variant Classification Criteria Version 2. Collection method: clinical testing. Allele origin: germline. Affected: yes. Observed: 1 variant allele.

Natera, Inc.
Classification: Uncertain significance for CFTR-related disorders. Last evaluated: 2019-06-14. Review status: no assertion criteria provided. Collection method: clinical testing. Allele origin: germline. Not counted in ClinVar's aggregate classification.